The following is an entry in ClinVar:

ClinVar aggregate classification (germline): Benign (1 of 4 stars; one submission).

Allele frequency attached by ClinVar (database versions not stated): gnomAD exomes 0.63429; gnomAD 0.64889 and 0.64943; TOPMed 0.65682; 1000 Genomes Project 30x 0.67161; 1000 Genomes Project 0.67392.

Submission:

GeneDx
Classification: Benign. Last evaluated: 2018-06-19. Review status: criteria provided, single submitter. Criteria: GeneDx Variant Classification (06012015). Collection method: clinical testing. Allele origin: germline. Affected: yes.
Comment: This variant is considered likely benign or benign based on one or more of the following criteria: it is a conservative change, it occurs at a poorly conserved position in the protein, it is predicted to be benign by multiple in silico algorithms, and/or has population frequency not consistent with disease.

NM_000262.2(NAGA):c.-679T>A

Gene: NAGA (alpha-N-acetylgalactosaminidase; minus strand). Cytogenetic location: 22q13.2.
Variant type: single nucleotide variant.
Coding change: c.-679T>A on transcript NM_000262.2; 679 bases upstream of the start codon, T replaced by A.
Genome position (GRCh38, 1-based): chr22:42,070,976, A>T on the plus strand (T>A on the coding strand, the complement: NAGA is on the minus strand). VCF-style: chr22-42070976-A-T. GRCh37 (hg19) VCF-style: chr22-42466980-A-T.
Identifiers: ClinVar variation 682642 (VCV000682642.3), dbSNP rs2859438, ClinGen allele CA14960354.